The following is an entry in ClinVar:

NM_017534.6(MYH2):c.3937G>A (p.Ala1313Thr)

Genes: MYHAS (myosin heavy chain gene cluster antisense RNA; plus strand), MYH2 (myosin heavy chain 2; minus strand). Cytogenetic location: 17p13.1.
Variant type: single nucleotide variant.
Coding change: c.3937G>A on transcript NM_017534.6 (MANE Select); coding-DNA position 3937, G replaced by A.
Protein change: p.Ala1313Thr; replaces alanine 1313 with threonine.
Molecular consequence: missense variant.
Genome position (GRCh38, 1-based): chr17:10,526,991, C>T on the plus strand (G>A on the coding strand, the complement: MYH2 is on the minus strand). VCF-style: chr17-10526991-C-T. GRCh37 (hg19) VCF-style: chr17-10430308-C-T.
Other names: c.3937G>A, p.Ala1313Thr (NM_001100112.2); short protein forms A1313T.
Identifiers: ClinVar variation 3614978 (VCV003614978.2).

ClinVar aggregate classification (germline): Uncertain significance (1 of 4 stars; one submission).

Conditions:
Myopathy, proximal, and ophthalmoplegia (CMYO6). Also called: INCLUSION BODY MYOPATHY 3, AUTOSOMAL DOMINANT; CONGENITAL MYOPATHY 6 WITH OPHTHALMOPLEGIA; MYOPATHY WITH CONGENITAL JOINT CONTRACTURES, OPHTHALMOPLEGIA, AND RIMMED VACUOLES. Identifiers: Orphanet 363677, Orphanet 79091, MedGen C1854106, MONDO:0011577, OMIM 605637.

Submission:

Labcorp Genetics (formerly Invitae), Labcorp
Classification: Uncertain significance for Myopathy, proximal, and ophthalmoplegia. Last evaluated: 2024-03-21. Review status: criteria provided, single submitter. Criteria: Invitae Variant Classification Sherloc (09022015). Collection method: clinical testing. Allele origin: germline.
Comment: This sequence change replaces alanine, which is neutral and non-polar, with threonine, which is neutral and polar, at codon 1313 of the MYH2 protein (p.Ala1313Thr). This variant is not present in population databases (gnomAD no frequency). This variant has not been reported in the literature in individuals affected with MYH2-related conditions. Advanced modeling of protein sequence and biophysical properties (such as structural, functional, and spatial information, amino acid conservation, physicochemical variation, residue mobility, and thermodynamic stability) performed at Invitae indicates that this missense variant is not expected to disrupt MYH2 protein function with a negative predictive value of 80%. In summary, the available evidence is currently insufficient to determine the role of this variant in disease. Therefore, it has been classified as a Variant of Uncertain Significance.